The following is an entry in ClinVar:

NM_014408.5(TRAPPC3):c.284A>C (p.Asn95Thr)

Gene: TRAPPC3 (trafficking protein particle complex subunit 3; minus strand). Cytogenetic location: 1p34.3.
Variant type: single nucleotide variant.
Coding change: c.284A>C on transcript NM_014408.5 (MANE Select); coding-DNA position 284, A replaced by C.
Protein change: p.Asn95Thr; replaces asparagine 95 with threonine.
Molecular consequence: missense variant. On other transcripts: non-coding transcript variant (1).
Genome position (GRCh38, 1-based): chr1:36,137,935, T>G on the plus strand (A>C on the coding strand, the complement: TRAPPC3 is on the minus strand). VCF-style: chr1-36137935-T-G. GRCh37 (hg19) VCF-style: chr1-36603536-T-G.
Other names: c.284A>C (NM_014408.3); c.308A>C, p.Asn103Thr (NM_001270894.2); c.146A>C, p.Asn49Thr (NM_001270895.2, NM_001270896.2); c.86A>C, p.Asn29Thr (NM_001270897.2); short protein forms N29T, N95T, N103T, N49T.
Identifiers: ClinVar variation 2716883 (VCV002716883.4), dbSNP rs777769502, ClinGen allele CA765273.

ClinVar aggregate classification (germline): Uncertain significance. Review status: criteria provided, multiple submitters, no conflicts (2 of 4 stars). 2 submissions from 2 submitters: Uncertain significance (2). Last evaluated 2024-06-11.

Allele frequency attached by ClinVar (database versions not stated): ExAC 0.00001; gnomAD 0.00001; TOPMed 0.00002.

Submissions (2):

Ambry Genetics
Classification: Uncertain significance. Last evaluated: 2024-06-11. Review status: criteria provided, single submitter. Criteria: Ambry Variant Classification Scheme 2023. Collection method: clinical testing. Allele origin: germline.

Labcorp Genetics (formerly Invitae), Labcorp
Classification: Uncertain significance. Last evaluated: 2024-06-09. Review status: criteria provided, single submitter. Criteria: Invitae Variant Classification Sherloc (09022015). Collection method: clinical testing. Allele origin: germline.
Comment: This sequence change replaces asparagine, which is neutral and polar, with threonine, which is neutral and polar, at codon 103 of the TRAPPC3 protein (p.Asn103Thr). This variant is present in population databases (rs777769502, gnomAD 0.02%). This variant has not been reported in the literature in individuals affected with TRAPPC3-related conditions. Experimental studies and prediction algorithms are not available or were not evaluated, and the functional significance of this variant is currently unknown. In summary, the available evidence is currently insufficient to determine the role of this variant in disease. Therefore, it has been classified as a Variant of Uncertain Significance.